The following is an entry in ClinVar:

ClinVar aggregate classification (germline): Uncertain significance (1 of 4 stars; one submission).

Conditions:
Hereditary cancer-predisposing syndrome. Also called: Neoplastic Syndromes, Hereditary; Hereditary Cancer Syndrome; Tumor predisposition; Hereditary neoplastic syndrome. Identifiers: Orphanet 140162, MedGen C0027672, MeSH D009386, MONDO:0015356.

Submission:

Ambry Genetics
Classification: Uncertain significance for Hereditary cancer-predisposing syndrome. Last evaluated: 2017-03-10. Review status: criteria provided, single submitter. Criteria: Ambry Variant Classification Scheme 2023. Collection method: clinical testing. Allele origin: germline.
Comment: The p.M2527K variant (also known as c.7580T>A), located in coding exon 50 of the ATM gene, results from a T to A substitution at nucleotide position 7580. The methionine at codon 2527 is replaced by lysine, an amino acid with similar properties. This amino acid position is highly conserved in available vertebrate species. In addition, this alteration is predicted to be deleterious by in silico analysis. Since supporting evidence is limited at this time, the clinical significance of this alteration remains unclear.

NM_000051.4(ATM):c.7580T>A (p.Met2527Lys)

Genes: ATM (ATM serine/threonine kinase; plus strand), C11orf65 (chromosome 11 open reading frame 65; minus strand). Cytogenetic location: 11q22.3.
Variant type: single nucleotide variant.
Coding change: c.7580T>A on transcript NM_000051.4 (MANE Select); coding-DNA position 7580, T replaced by A.
Protein change: p.Met2527Lys; replaces methionine 2527 with lysine.
Molecular consequence: missense variant. On other transcripts: non-coding transcript variant (1), intron variant (2).
Genome position (GRCh38, 1-based): chr11:108,331,508, T>A. VCF-style: chr11-108331508-T-A. GRCh37 (hg19) VCF-style: chr11-108202235-T-A.
Other names: c.7580T>A, p.Met2527Lys (NM_001351834.2); c.641-22437A>T (NM_001330368.2); c.*38+3712A>T (NM_001351110.2); short protein forms M2527K.
Identifiers: ClinVar variation 482700 (VCV000482700.7), dbSNP rs1555124065, ClinGen allele CA382560769.